The following is an entry in ClinVar:

ClinVar aggregate classification (germline): Benign. Review status: criteria provided, multiple submitters, no conflicts (2 of 4 stars). 2 submissions from 2 submitters: Benign (2). Last evaluated 2018-06-18.

Allele frequency attached by ClinVar (database versions not stated): TOPMed 0.65919; gnomAD 0.66191 and 0.66724; 1000 Genomes Project 30x 0.70144; 1000 Genomes Project 0.70927.
gnomAD v4.1: 101,198 of 151,778 alleles (67%); highest among the groups gnomAD compares: East Asian, 89%; 34,167 homozygotes.

Submissions (2):

GeneDx
Classification: Benign. Last evaluated: 2018-06-18. Review status: criteria provided, single submitter. Criteria: GeneDx Variant Classification (06012015). Collection method: clinical testing. Allele origin: germline. Affected: yes.
Comment: This variant is considered likely benign or benign based on one or more of the following criteria: it is a conservative change, it occurs at a poorly conserved position in the protein, it is predicted to be benign by multiple in silico algorithms, and/or has population frequency not consistent with disease.

Breakthrough Genomics
Classification: Benign. Review status: criteria provided, single submitter. Criteria: ACMG Guidelines, 2015. Collection method: not provided. Allele origin: germline. Inheritance: Autosomal dominant inheritance. Affected: yes.

NM_001165963.4(SCN1A):c.964+258G>A

Gene: SCN1A (sodium voltage-gated channel alpha subunit 1; minus strand). Cytogenetic location: 2q24.3.
Variant type: single nucleotide variant.
Coding change: c.964+258G>A on transcript NM_001165963.4 (MANE Select); 258 bases into the intron after coding-DNA position 964, G replaced by A.
Molecular consequence: intron variant.
Genome position (GRCh38, 1-based): chr2:166,051,461, C>T on the plus strand (G>A on the coding strand, the complement: SCN1A is on the minus strand). VCF-style: chr2-166051461-C-T. GRCh37 (hg19) VCF-style: chr2-166907971-C-T.
Other names: c.964+258G>A (NM_001353949.2, NM_001353958.2, NM_001353950.2 and 10 more transcripts); c.-1462+258G>A (NM_001353961.2).
Identifiers: ClinVar variation 684215 (VCV000684215.2), dbSNP rs6735104, ClinGen allele CA11259682.